The following is an entry in ClinVar:

NM_014244.5(ADAMTS2):c.3191_3196delinsCTCTGAA (p.Gln1064fs)

Gene: ADAMTS2 (ADAM metallopeptidase with thrombospondin type 1 motif 2; minus strand). Cytogenetic location: 5q35.3.
Variant type: Indel.
Coding change: c.3191_3196delinsCTCTGAA on transcript NM_014244.5 (MANE Select); coding-DNA positions 3191 to 3196, AAGGCG replaced by CTCTGAA.
Protein change: p.Gln1064fs; shifts the reading frame from glutamine 1064.
Molecular consequence: frameshift variant.
Genome position (GRCh38, 1-based): chr5:179,114,307-179,114,312, CGCCTT replaced by TTCAGAG on the plus strand (AAGGCG replaced by CTCTGAA on the coding strand, the reverse complement: ADAMTS2 is on the minus strand). VCF-style: chr5-179114307-CGCCTT-TTCAGAG. GRCh37 (hg19) VCF-style: chr5-178541308-CGCCTT-TTCAGAG.
Other names: short protein forms Q1064fs.
Identifiers: ClinVar variation 4815617 (VCV004815617.1).
Genomic context (GRCh38, chr5:179,114,307, plus strand): 5'-TGTAGCCTGGGATGGAGCAATAGCGGGACAAGACTTCCATCCTACAGAATATTGACTTGT[CGCCTT>TTCAGAG]GGCAGTGGCCCTCTGAAAAAGAAAAGTGGGACAAATAACCAAAGGACAAGATAAGGGGGA-3'

ClinVar aggregate classification (germline): Likely pathogenic (1 of 4 stars; one submission).

Conditions:
Ehlers-Danlos syndrome, dermatosparaxis type. Also called: Ehlers-Danlos syndrome, type VII, autosomal recessive; EDS VIIC; Dermatosparaxis. Identifiers: Orphanet 1901, MedGen C2700425, MONDO:0009161, OMIM 225410.

Submission:

Natera, Inc.
Classification: Likely pathogenic for Ehlers-Danlos syndrome type VIIC. Last evaluated: 2024-10-22. Review status: criteria provided, single submitter. Criteria: Natera Variant Classification Schema (03/2026). Collection method: clinical testing. Allele origin: germline.
Comment: The c.3191_3196delinsCTCTGAA variant in ADAMTS2 is a frameshift variant predicted to shift the reading frame beginning at codon 1064 and leads to a stop codon 9 codons downstream. This variant is expected to result in nonsense mediated decay, truncation, or a dysfunctional protein product. This variant is rare in the general population with a frequency below the threshold expected for the associated phenotype(s). Given the available evidence, this variant is classified as Likely Pathogenic.